The following is an entry in ClinVar:

NM_004304.5(ALK):c.3800A>G (p.Lys1267Arg)

Gene: ALK (ALK receptor tyrosine kinase; minus strand). Cytogenetic location: 2p23.2.
Variant type: single nucleotide variant.
Coding change: c.3800A>G on transcript NM_004304.5 (MANE Select); coding-DNA position 3800, A replaced by G.
Protein change: p.Lys1267Arg; replaces lysine 1267 with arginine.
Molecular consequence: missense variant.
Genome position (GRCh38, 1-based): chr2:29,209,822, T>C on the plus strand (A>G on the coding strand, the complement: ALK is on the minus strand). VCF-style: chr2-29209822-T-C. GRCh37 (hg19) VCF-style: chr2-29432688-T-C.
Other names: c.596A>G, p.Lys199Arg (NM_001353765.2); short protein forms K199R, K1267R.
Identifiers: ClinVar variation 3856107 (VCV003856107.1).

ClinVar aggregate classification (germline): Uncertain significance (1 of 4 stars; one submission).

Conditions:
Hereditary cancer-predisposing syndrome. Also called: Hereditary neoplastic syndrome; Neoplastic Syndromes, Hereditary; Tumor predisposition; Hereditary Cancer Syndrome. Identifiers: Orphanet 140162, MedGen C0027672, MeSH D009386, MONDO:0015356.

Submission:

Ambry Genetics
Classification: Uncertain significance for Hereditary cancer-predisposing syndrome. Last evaluated: 2025-03-09. Review status: criteria provided, single submitter. Criteria: Ambry Variant Classification Scheme 2023. Collection method: clinical testing. Allele origin: germline.
Comment: The p.K1267R variant (also known as c.3800A>G), located in coding exon 25 of the ALK gene, results from an A to G substitution at nucleotide position 3800. The lysine at codon 1267 is replaced by arginine, an amino acid with highly similar properties. This amino acid position is conserved. In addition, this alteration is predicted to be deleterious by in silico analysis. Based on the available evidence, the clinical significance of this variant remains unclear.